The following is an entry in ClinVar:

NM_198859.4(PRICKLE2):c.541A>T (p.Ile181Leu)

Gene: PRICKLE2 (prickle planar cell polarity protein 2; minus strand). Cytogenetic location: 3p14.1.
Variant type: single nucleotide variant.
Coding change: c.541A>T on transcript NM_198859.4 (MANE Select); coding-DNA position 541, A replaced by T.
Protein change: p.Ile181Leu; replaces isoleucine 181 with leucine.
Molecular consequence: missense variant.
Genome position (GRCh38, 1-based): chr3:64,157,221, T>A on the plus strand (A>T on the coding strand, the complement: PRICKLE2 is on the minus strand). VCF-style: chr3-64157221-T-A. GRCh37 (hg19) VCF-style: chr3-64142897-T-A.
Other names: c.541A>T, p.Ile181Leu (NM_001370528.1); short protein forms I181L.
Identifiers: ClinVar variation 1056692 (VCV001056692.5), dbSNP rs1047934663, ClinGen allele CA353434965.
Genomic context (GRCh38, chr3:64,157,221, plus strand): 5'-CCTCATCGCAGGCAGCACAGCGCGGCTTCAGGCACTCAGCATGGTGCCTGCCACAGTATA[T>A]CTTCCCATCTTGGTAAAAGTAGATCAGATCCACCAGGAGCTCATTGCAGACAGTGCATAC-3'
Protein context (NP_942559.1, residues 171-191): DLIYFYQDGK[Ile181Leu]YCGRHHAECL

ClinVar aggregate classification (germline): Uncertain significance (1 of 4 stars; one submission).

Conditions:
Progressive myoclonic epilepsy type 5. Identifiers: Orphanet 402082, MedGen C5190799.

Allele frequency attached by ClinVar (database versions not stated): TOPMed below 0.00001.

Submission:

Labcorp Genetics (formerly Invitae), Labcorp
Classification: Uncertain significance for Progressive myoclonic epilepsy type 5. Last evaluated: 2020-07-02. Review status: criteria provided, single submitter. Criteria: Invitae Variant Classification Sherloc (09022015). Collection method: clinical testing. Allele origin: germline.
Comment: In summary, the available evidence is currently insufficient to determine the role of this variant in disease. Therefore, it has been classified as a Variant of Uncertain Significance. Algorithms developed to predict the effect of missense changes on protein structure and function (SIFT, PolyPhen-2, Align-GVGD) all suggest that this variant is likely to be tolerated, but these predictions have not been confirmed by published functional studies and their clinical significance is uncertain. This variant has not been reported in the literature in individuals with PRICKLE2-related conditions. This variant is not present in population databases (ExAC no frequency). This sequence change replaces isoleucine with leucine at codon 181 of the PRICKLE2 protein (p.Ile181Leu). The isoleucine residue is highly conserved and there is a small physicochemical difference between isoleucine and leucine.